The following is an entry in ClinVar:

NM_003906.5(MCM3AP):c.2975A>T (p.Glu992Val)

Gene: MCM3AP (minichromosome maintenance complex component 3 associated protein; minus strand). Cytogenetic location: 21q22.3.
Variant type: single nucleotide variant.
Coding change: c.2975A>T on transcript NM_003906.5 (MANE Select); coding-DNA position 2975, A replaced by T.
Protein change: p.Glu992Val; replaces glutamic acid 992 with valine.
Molecular consequence: missense variant.
Genome position (GRCh38, 1-based): chr21:46,265,981, T>A on the plus strand (A>T on the coding strand, the complement: MCM3AP is on the minus strand). VCF-style: chr21-46265981-T-A. GRCh37 (hg19) VCF-style: chr21-47685895-T-A.
Other names: short protein forms E992V.
Identifiers: ClinVar variation 1896900 (VCV001896900.2), dbSNP rs980508324, ClinGen allele CA321986170.

ClinVar aggregate classification (germline): Uncertain significance (1 of 4 stars; one submission).

Allele frequency attached by ClinVar (database versions not stated): gnomAD exomes below 0.00001.

Submission:

Labcorp Genetics (formerly Invitae), Labcorp
Classification: Uncertain significance. Last evaluated: 2022-08-17. Review status: criteria provided, single submitter. Criteria: Invitae Variant Classification Sherloc (09022015). Collection method: clinical testing. Allele origin: germline.
Comment: This sequence change replaces glutamic acid, which is acidic and polar, with valine, which is neutral and non-polar, at codon 992 of the MCM3AP protein (p.Glu992Val). This variant is not present in population databases (gnomAD no frequency). This variant has not been reported in the literature in individuals affected with MCM3AP-related conditions. Algorithms developed to predict the effect of missense changes on protein structure and function are either unavailable or do not agree on the potential impact of this missense change (SIFT: "Deleterious"; PolyPhen-2: "Possibly Damaging"; Align-GVGD: "Class C0"). In summary, the available evidence is currently insufficient to determine the role of this variant in disease. Therefore, it has been classified as a Variant of Uncertain Significance.